The following is an entry in ClinVar:

ClinVar aggregate classification (germline): Uncertain significance (1 of 4 stars; one submission).

Conditions:
Hereditary cancer-predisposing syndrome. Also called: Neoplastic Syndromes, Hereditary; Tumor predisposition; Hereditary Cancer Syndrome; Hereditary neoplastic syndrome. Identifiers: Orphanet 140162, MedGen C0027672, MeSH D009386, MONDO:0015356.

Submission:

Ambry Genetics
Classification: Uncertain significance for Hereditary cancer-predisposing syndrome. Last evaluated: 2020-02-05. Review status: criteria provided, single submitter. Criteria: Ambry Variant Classification Scheme 2023. Collection method: clinical testing. Allele origin: germline.
Comment: The p.R568M variant (also known as c.1703G>T), located in coding exon 15 of the NF2 gene, results from a G to T substitution at nucleotide position 1703. The arginine at codon 568 is replaced by methionine, an amino acid with similar properties. This amino acid position is not well conserved in available vertebrate species. In addition, the in silico prediction for this alteration is inconclusive. Since supporting evidence is limited at this time, the clinical significance of this alteration remains unclear.

NM_000268.4(NF2):c.1703G>T (p.Arg568Met)

Gene: NF2 (NF2, moesin-ezrin-radixin like (MERLIN) tumor suppressor; plus strand). Cytogenetic location: 22q12.2.
Variant type: single nucleotide variant.
Coding change: c.1703G>T on transcript NM_000268.4 (MANE Select); coding-DNA position 1703, G replaced by T.
Protein change: p.Arg568Met; replaces arginine 568 with methionine.
Molecular consequence: missense variant. On other transcripts: non-coding transcript variant (1), intron variant (1).
Genome position (GRCh38, 1-based): chr22:29,681,567, G>T. VCF-style: chr22-29681567-G-T. GRCh37 (hg19) VCF-style: chr22-30077556-G-T.
Other names: c.1703G>T, p.Arg568Met (NM_181825.3, NM_181832.3, NM_001407066.1 and 1 more transcripts); c.1577G>T, p.Arg526Met (NM_181828.3, NM_001407055.1); c.1454G>T, p.Arg485Met (NM_181831.3, NM_181830.3, NM_001407063.1); c.1580G>T, p.Arg527Met (NM_181829.3, NM_001407054.1, NM_001407058.1); c.448-13185G>T (NM_181833.3); c.1589G>T, p.Arg530Met (NM_001407053.1, NM_001407056.1); c.1568G>T, p.Arg523Met (NM_001407057.1, NM_001407059.1); c.1445G>T, p.Arg482Met (NM_001407062.1); and 2 more; short protein forms R390M, R485M, R491M, R523M, R482M, R526M, R568M, R527M.
Identifiers: ClinVar variation 1778398 (VCV001778398.2), dbSNP rs1179425098, ClinGen allele CA411150419.